The following is an entry in ClinVar:

ClinVar aggregate classification (germline): Uncertain significance (1 of 4 stars; one submission).

Submission:

Labcorp Genetics (formerly Invitae), Labcorp
Classification: Uncertain significance. Last evaluated: 2024-10-25. Review status: criteria provided, single submitter. Criteria: Invitae Variant Classification Sherloc (09022015). Collection method: clinical testing. Allele origin: germline.
Comment: This sequence change falls in intron 5 of the ATRN gene. It does not directly change the encoded amino acid sequence of the ATRN protein. It affects a nucleotide within the consensus splice site. This variant is present in population databases (rs767309450, gnomAD 0.1%), and has an allele count higher than expected for a pathogenic variant. This variant has not been reported in the literature in individuals affected with ATRN-related conditions. ClinVar contains an entry for this variant (Variation ID: 2187191). Variants that disrupt the consensus splice site are a relatively common cause of aberrant splicing (PMID: 17576681, 9536098). Algorithms developed to predict the effect of sequence changes on RNA splicing suggest that this variant may disrupt the consensus splice site. In summary, the available evidence is currently insufficient to determine the role of this variant in disease. Therefore, it has been classified as a Variant of Uncertain Significance.

Literature cited by the submitters: PubMed 17576681; PubMed 9536098.

NM_139321.3(ATRN):c.943+2_943+5dup

Gene: ATRN (attractin; plus strand). Cytogenetic location: 20p13.
Variant type: Duplication.
Coding change: c.943+2_943+5dup on transcript NM_139321.3 (MANE Select); the canonical splice donor site of the intron after coding-DNA position 943 through 5 bases into the intron after coding-DNA position 943, 4 bases duplicated (TAGG; older notation c.943+2_943+5dupTAGG).
Molecular consequence: splice donor variant.
Genome position (GRCh38, 1-based): chr20:3,547,491-3,547,494, TAGG duplicated; duplicating any 4 consecutive bases within chr20:3,547,489-3,547,494 gives the same sequence; the c. name uses the placement nearest the transcript's 3' end. VCF-style (leftmost placement, unchanged base first): chr20-3547488-G-GGGTA. GRCh37 (hg19) VCF-style: chr20-3528135-G-GGGTA.
Other names: c.943+2_943+5dup (NM_001323332.2, NM_139322.4); c.595+2_595+5dup (NM_001207047.3).
Identifiers: ClinVar variation 2187191 (VCV002187191.4), dbSNP rs767309450, ClinGen allele CA9743930.
Genomic context (GRCh38, chr20:3,547,488, plus strand): 5'-TCATCGAGGCATCTGCAATTCAAGTGATGTCAGAGGATGCTCCTGCTTCTCAGACTGGCA[G>GGGTA]GGTAGGAGCTTCTTTCATTTTTATTTTTTCTTCCATTTATAGAACATTCCCACTAAATAA-3'